The following is an entry in ClinVar:

NM_005458.8(GABBR2):c.1938G>A (p.Glu646=)

Gene: GABBR2 (gamma-aminobutyric acid type B receptor subunit 2; minus strand). Cytogenetic location: 9q22.33.
Variant type: single nucleotide variant.
Coding change: c.1938G>A on transcript NM_005458.8 (MANE Select); coding-DNA position 1938, G replaced by A.
Protein change: p.Glu646=; no amino-acid change (glutamic acid 646 retained).
Molecular consequence: synonymous variant.
Genome position (GRCh38, 1-based): chr9:98,311,161, C>T on the plus strand (G>A on the coding strand, the complement: GABBR2 is on the minus strand). VCF-style: chr9-98311161-C-T. GRCh37 (hg19) VCF-style: chr9-101073443-C-T.
Identifiers: ClinVar variation 531172 (VCV000531172.35), dbSNP rs79484588, ClinGen allele CA5152563.

ClinVar aggregate classification (germline): Benign/Likely benign. Review status: criteria provided, multiple submitters, no conflicts (2 of 4 stars). 3 submissions from 3 submitters: Benign (2); Likely benign (1). Last evaluated 2026-09-01.

Conditions:
Epileptic encephalopathy. Identifiers: MedGen C0543888, HP:0200134.

Allele frequency attached by ClinVar (database versions not stated): TOPMed 0.00028; gnomAD 0.00029 and 0.00043; gnomAD exomes 0.00069 and 0.00119; ExAC 0.00125.
gnomAD v4.1: 1,087 of 1,613,920 alleles (0.067%); highest among the groups gnomAD compares: Middle Eastern, 0.84%; 10 homozygotes.

Submissions (3):

CeGaT Center for Human Genetics Tuebingen
Classification: Likely benign. Last evaluated: 2026-09-01. Review status: criteria provided, single submitter. Criteria: CeGaT Center For Human Genetics Tuebingen Variant Classification Criteria Version 2. Collection method: clinical testing. Allele origin: germline. Affected: yes. Observed: 15 variant alleles.
Comment: GABBR2: BP4, BP7, BS1

Labcorp Genetics (formerly Invitae), Labcorp
Classification: Benign for Epileptic encephalopathy. Last evaluated: 2026-01-28. Review status: criteria provided, single submitter. Criteria: Invitae Variant Classification Sherloc (09022015). Collection method: clinical testing. Allele origin: germline.

Breakthrough Genomics
Classification: Benign. Review status: criteria provided, single submitter. Criteria: ACMG Guidelines, 2015. Collection method: not provided. Allele origin: germline. Inheritance: Autosomal dominant inheritance. Affected: yes.